The following is an entry in ClinVar:

ClinVar aggregate classification (germline): Likely benign. Review status: criteria provided, multiple submitters, no conflicts (2 of 4 stars). 4 submissions from 4 submitters: Likely benign (2). 2 of the submissions do not count toward it. Last evaluated 2024-02-01.

Allele frequency attached by ClinVar (database versions not stated): gnomAD 0.00009 and 0.00010; gnomAD exomes 0.00009 and 0.00013; TOPMed 0.00009; ESP Exome Variant Server 0.00019; 1000 Genomes Project 30x 0.00021; ExAC 0.00021; 1000 Genomes Project 0.00026.

Submissions (4):

CeGaT Center for Human Genetics Tuebingen
Classification: Likely benign. Last evaluated: 2024-02-01. Review status: criteria provided, single submitter. Criteria: CeGaT Center For Human Genetics Tuebingen Variant Classification Criteria Version 2. Collection method: clinical testing. Allele origin: germline. Affected: yes. Observed: 1 variant allele.
Comment: HDAC6: BS2

Breakthrough Genomics
Classification: Likely benign. Review status: criteria provided, single submitter. Criteria: ACMG Guidelines, 2015. Collection method: not provided. Allele origin: germline. Inheritance: X-linked inheritance. Affected: yes.

Clinical Genetics DNA and cytogenetics Diagnostics Lab, Erasmus MC, Erasmus Medical Center
Classification: Likely benign. Review status: no assertion criteria provided. Collection method: clinical testing. Allele origin: germline. Affected: yes. Study: VKGL Data-share Consensus. Not counted in ClinVar's aggregate classification.

Laboratory of Diagnostic Genome Analysis, Leiden University Medical Center (LUMC)
Classification: Likely benign. Review status: no assertion criteria provided. Collection method: clinical testing. Allele origin: germline. Affected: yes. Study: VKGL Data-share Consensus. Not counted in ClinVar's aggregate classification.

NM_006044.4(HDAC6):c.475A>C (p.Met159Leu)

Gene: HDAC6 (histone deacetylase 6; plus strand). Cytogenetic location: Xp11.23.
Variant type: single nucleotide variant.
Coding change: c.475A>C on transcript NM_006044.4 (MANE Select); coding-DNA position 475, A replaced by C.
Protein change: p.Met159Leu; replaces methionine 159 with leucine.
Molecular consequence: missense variant. On other transcripts: 3 prime UTR variant (2), non-coding transcript variant (3).
Genome position (GRCh38, 1-based): chrX:48,806,405, A>C. VCF-style: chrX-48806405-A-C. GRCh37 (hg19) VCF-style: chrX-48664812-A-C.
Other names: c.517A>C, p.Met173Leu (NM_001321225.2); c.475A>C, p.Met159Leu (NM_001321226.2, NM_001321227.2, NM_001321228.2 and 1 more transcripts); c.*730A>C (NM_001321230.2, NM_001321231.2); short protein forms M159L, M173L.
Identifiers: ClinVar variation 1206265 (VCV001206265.25), dbSNP rs372471896, ClinGen allele CA10404857.
Genomic context (GRCh38, chrX:48,806,405, plus strand): 5'-TCTCATCTCCCATCTGTGTCTAGCCTAGAATATATTGATCTGATGGAAACAACCCAGTAC[A>C]TGAATGAGGGAGAACTCCGTGTCCTAGCAGACACCTACGACTCAGTTTATCTGCATCCGG-3'
Protein context (NP_006035.2, residues 149-169): YIDLMETTQY[Met159Leu]NEGELRVLAD